The following is an entry in ClinVar:

NM_173728.4(ARHGEF15):c.292C>T (p.Pro98Ser)

Gene: ARHGEF15 (Rho guanine nucleotide exchange factor 15; plus strand). Cytogenetic location: 17p13.1.
Variant type: single nucleotide variant.
Coding change: c.292C>T on transcript NM_173728.4 (MANE Select); coding-DNA position 292, C replaced by T.
Protein change: p.Pro98Ser; replaces proline 98 with serine.
Molecular consequence: missense variant.
Genome position (GRCh38, 1-based): chr17:8,312,331, C>T. VCF-style: chr17-8312331-C-T. GRCh37 (hg19) VCF-style: chr17-8215649-C-T.
Other names: c.292C>T, p.Pro98Ser (NM_025014.2); short protein forms P98S.
Identifiers: ClinVar variation 1715175 (VCV001715175.5), dbSNP rs1904686850, ClinGen allele CA398014076.

ClinVar aggregate classification (germline): Uncertain significance (1 of 4 stars; one submission).

Conditions:
Early-infantile DEE. Also called: Early infantile epileptic encephalopathy with suppression bursts; Early infantile epileptic encephalopathy; Ohtahara syndrome. Identifiers: Orphanet 1934, MedGen C0393706, MONDO:0800491.

gnomAD v4.1: 1 of 1,585,428 alleles (0.000063%); no homozygotes.

Submission:

Labcorp Genetics (formerly Invitae), Labcorp
Classification: Uncertain significance for Early-infantile DEE. Last evaluated: 2022-08-05. Review status: criteria provided, single submitter. Criteria: Invitae Variant Classification Sherloc (09022015). Collection method: clinical testing. Allele origin: germline.
Comment: In summary, the available evidence is currently insufficient to determine the role of this variant in disease. Therefore, it has been classified as a Variant of Uncertain Significance. Algorithms developed to predict the effect of missense changes on protein structure and function are either unavailable or do not agree on the potential impact of this missense change (SIFT: "Tolerated"; PolyPhen-2: "Possibly Damaging"; Align-GVGD: "Class C0"). This variant has not been reported in the literature in individuals affected with ARHGEF15-related conditions. This variant is not present in population databases (gnomAD no frequency). This sequence change replaces proline, which is neutral and non-polar, with serine, which is neutral and polar, at codon 98 of the ARHGEF15 protein (p.Pro98Ser).